The following is an entry in ClinVar:

NM_001376.5(DYNC1H1):c.3572G>T (p.Arg1191Leu)

Gene: DYNC1H1 (dynein cytoplasmic 1 heavy chain 1; plus strand). Cytogenetic location: 14q32.31.
Variant type: single nucleotide variant.
Coding change: c.3572G>T on transcript NM_001376.5 (MANE Select); coding-DNA position 3572, G replaced by T.
Protein change: p.Arg1191Leu; replaces arginine 1191 with leucine.
Molecular consequence: missense variant.
Genome position (GRCh38, 1-based): chr14:101,997,042, G>T. VCF-style: chr14-101997042-G-T. GRCh37 (hg19) VCF-style: chr14-102463379-G-T.
Other names: short protein forms R1191L.
Identifiers: ClinVar variation 3897280 (VCV003897280.1).

ClinVar aggregate classification (germline): Uncertain significance (1 of 4 stars; one submission).

Submission:

GeneDx
Classification: Uncertain significance. Last evaluated: 2024-10-29. Review status: criteria provided, single submitter. Criteria: GeneDx Variant Classification Process June 2021. Collection method: clinical testing. Allele origin: germline. Affected: yes.
Comment: Not observed at significant frequency in large population cohorts (gnomAD); In silico analysis supports that this missense variant has a deleterious effect on protein structure/function; Has not been previously published as pathogenic or benign to our knowledge; This variant is associated with the following publications: (PMID: 25512093, 25609763, 26100331)